The following is an entry in ClinVar:

ClinVar aggregate classification (germline): Uncertain significance (1 of 4 stars; one submission).

Submission:

GeneDx
Classification: Uncertain significance. Last evaluated: 2026-02-25. Review status: criteria provided, single submitter. Criteria: GeneDx Variant Classification Process June 2021. Collection method: clinical testing. Allele origin: germline.
Comment: Not observed at significant frequency in large population cohorts (gnomAD); In silico analysis supports that this missense variant has a deleterious effect on protein structure/function; Has not been previously published as pathogenic or benign to our knowledge

NM_015100.4(POGZ):c.3100T>C (p.Trp1034Arg)

Gene: POGZ (pogo transposable element derived with ZNF domain; minus strand). Cytogenetic location: 1q21.3.
Variant type: single nucleotide variant.
Coding change: c.3100T>C on transcript NM_015100.4 (MANE Select); coding-DNA position 3100, T replaced by C.
Protein change: p.Trp1034Arg; replaces tryptophan 1034 with arginine.
Molecular consequence: missense variant.
Genome position (GRCh38, 1-based): chr1:151,405,935, A>G on the plus strand (T>C on the coding strand, the complement: POGZ is on the minus strand). VCF-style: chr1-151405935-A-G. GRCh37 (hg19) VCF-style: chr1-151378411-A-G.
Other names: c.3073T>C, p.Trp1025Arg (NM_001194937.2); c.2914T>C, p.Trp972Arg (NM_001194938.2); c.3121T>C, p.Trp1041Arg (NM_001410860.1); c.2815T>C, p.Trp939Arg (NM_145796.4); c.2941T>C, p.Trp981Arg (NM_207171.2); short protein forms W1025R, W972R, W1034R, W939R, W1041R, W981R.
Identifiers: ClinVar variation 5007949 (VCV005007949.1).